The following is an entry in ClinVar:

ClinVar aggregate classification (germline): Uncertain significance. Review status: criteria provided, multiple submitters, no conflicts (2 of 4 stars). 2 submissions from 2 submitters: Uncertain significance (2). Last evaluated 2022-05-19.

Conditions:
Adenylosuccinate lyase deficiency (ADSLD). Also called: ADSL DEFICIENCY. Identifiers: Orphanet 46, MedGen C0268126, MONDO:0007068, OMIM 103050.

Allele frequency attached by ClinVar (database versions not stated): TOPMed 0.00001.
gnomAD v4.1: 22 of 1,587,726 alleles (0.0014%); highest among the groups gnomAD compares: South Asian, 0.022%; no homozygotes.

Submissions (2):

Labcorp Genetics (formerly Invitae), Labcorp
Classification: Uncertain significance for Adenylosuccinate lyase deficiency. Last evaluated: 2022-05-19. Review status: criteria provided, single submitter. Criteria: Invitae Variant Classification Sherloc (09022015). Collection method: clinical testing. Allele origin: germline.
Comment: This variant occurs in a non-coding region of the ADSL gene. It does not change the encoded amino acid sequence of the ADSL protein. The frequency data for this variant in the population databases is considered unreliable, as metrics indicate poor data quality at this position in the gnomAD database. This variant has not been reported in the literature in individuals affected with ADSL-related conditions. ClinVar contains an entry for this variant (Variation ID: 341655). Experimental studies and prediction algorithms are not available or were not evaluated, and the functional significance of this variant is currently unknown. In summary, the available evidence is currently insufficient to determine the role of this variant in disease. Therefore, it has been classified as a Variant of Uncertain Significance.

Illumina Laboratory Services, Illumina
Classification: Uncertain significance for Adenylosuccinate lyase deficiency. Last evaluated: 2018-01-13. Review status: criteria provided, single submitter. Criteria: ICSL Variant Classification Criteria 13 December 2019. Collection method: clinical testing. Allele origin: germline.

NM_000026.4(ADSL):c.-35G>T

Gene: ADSL (adenylosuccinate lyase; plus strand). Cytogenetic location: 22q13.1.
Variant type: single nucleotide variant.
Coding change: c.-35G>T on transcript NM_000026.4 (MANE Select); 35 bases upstream of the start codon, G replaced by T.
Molecular consequence: 5 prime UTR variant. On other transcripts: non-coding transcript variant (1).
Genome position (GRCh38, 1-based): chr22:40,346,524, G>T. VCF-style: chr22-40346524-G-T. GRCh37 (hg19) VCF-style: chr22-40742528-G-T.
Other names: c.-35G>T (NM_001123378.3, NM_001363840.3); c.-172G>T (NM_001317923.2).
Identifiers: ClinVar variation 341655 (VCV000341655.7), dbSNP rs750649096, ClinGen allele CA10247562.